The following is an entry in ClinVar:

ClinVar aggregate classification (germline): Likely benign. Review status: criteria provided, single submitter (1 of 4 stars). 2 submissions from 2 submitters: Likely benign (1). 1 of the submissions does not count toward it. Last evaluated 2024-09-11.

Conditions:
PKD1L1-related disorder. Also called: PKD1L1-related condition.

Allele frequency attached by ClinVar (database versions not stated): TOPMed 0.00009; gnomAD exomes 0.00011; ExAC 0.00012; gnomAD 0.00012.
gnomAD v4.1: 182 of 1,614,132 alleles (0.011%); highest among the groups gnomAD compares: Middle Eastern, 0.13%; no homozygotes.

Submissions (2):

Blueprint Genetics
Classification: Likely benign. Last evaluated: 2024-09-11. Review status: criteria provided, single submitter. Criteria: ACMG Guidelines, 2015. Collection method: clinical testing. Allele origin: germline.

PreventionGenetics, part of Exact Sciences
Classification: Likely benign for PKD1L1-related condition. Last evaluated: 2021-04-21. Review status: no assertion criteria provided. Collection method: clinical testing. Allele origin: germline. Not counted in ClinVar's aggregate classification.
Comment: This variant is classified as likely benign based on ACMG/AMP sequence variant interpretation guidelines (Richards et al. 2015 PMID: 25741868, with internal and published modifications).

NM_138295.5(PKD1L1):c.4509G>A (p.Ala1503=)

Gene: PKD1L1 (polycystin 1 like 1, transient receptor potential channel interacting; minus strand). Cytogenetic location: 7p12.3.
Variant type: single nucleotide variant.
Coding change: c.4509G>A on transcript NM_138295.5 (MANE Select); coding-DNA position 4509, G replaced by A.
Protein change: p.Ala1503=; no amino-acid change (alanine 1503 retained).
Molecular consequence: synonymous variant.
Genome position (GRCh38, 1-based): chr7:47,857,686, C>T on the plus strand (G>A on the coding strand, the complement: PKD1L1 is on the minus strand). VCF-style: chr7-47857686-C-T. GRCh37 (hg19) VCF-style: chr7-47897284-C-T.
Identifiers: ClinVar variation 3033034 (VCV003033034.3), dbSNP rs760373258, ClinGen allele CA4253097.
Genomic context (GRCh38, chr7:47,857,686, plus strand): 5'-TGGATATGGGTTCTTCTTGAAGAGTATGAGCTGGCTAATGTAGCATGGGCTCTGTGTCTC[C>T]GCCCCAGCAGGACTGTGCCCAGCAAGGTCACCAGGTAAATGCACCTGGACAGATCCCAGG-3'
Protein context (NP_612152.1, residues 1493-1513): GDLAGHSPAG[Ala1503=]ETQSPCYISQ